The following is an entry in ClinVar:

ClinVar aggregate classification (germline): Uncertain significance (1 of 4 stars; one submission).

Conditions:
Melanoma, cutaneous malignant, susceptibility to, 8. Also called: Cutaneous malignant melanoma 8; MELANOMA AND RENAL CELL CARCINOMA, SUSCEPTIBILITY TO. Identifiers: Orphanet 293822, MedGen C3152204, MONDO:0013759, OMIM 614456.
Tietz syndrome (TADS). Also called: ALBINISM-DEAFNESS OF TIETZ; HYPOPIGMENTATION/DEAFNESS OF TIETZ; TIETZ ALBINISM-DEAFNESS SYNDROME. Identifiers: Orphanet 42665, MedGen C0391816, MONDO:0007077, OMIM 103500.
Waardenburg syndrome type 2A (WS2A). Also called: WAARDENBURG SYNDROME WITHOUT DYSTOPIA CANTHORUM. Identifiers: Orphanet 3440, MedGen C1860339, MONDO:0008671, OMIM 193510.

Allele frequency attached by ClinVar (database versions not stated): TOPMed below 0.00001; gnomAD 0.00001.
gnomAD v4.1: 2 of 1,613,492 alleles (0.00012%); highest among the groups gnomAD compares: African/African-American, 0.0013%; no homozygotes.

Submission:

Labcorp Genetics (formerly Invitae), Labcorp
Classification: Uncertain significance for Melanoma, cutaneous malignant, susceptibility to, 8; Waardenburg syndrome type 2A; Tietz syndrome. Last evaluated: 2025-07-03. Review status: criteria provided, single submitter. Criteria: Invitae Variant Classification Sherloc (09022015). Collection method: clinical testing. Allele origin: germline.
Comment: This sequence change falls in intron 2 of the MITF gene. It does not directly change the encoded amino acid sequence of the MITF protein. This variant is present in population databases (no rsID available, gnomAD 0.01%). This variant has not been reported in the literature in individuals affected with MITF-related conditions. ClinVar contains an entry for this variant (Variation ID: 2944494). Algorithms developed to predict the effect of sequence changes on RNA splicing suggest that this variant may disrupt the consensus splice site. In summary, the available evidence is currently insufficient to determine the role of this variant in disease. Therefore, it has been classified as a Variant of Uncertain Significance.

NM_001354604.2(MITF):c.583-14T>A

Gene: MITF (melanocyte inducing transcription factor; plus strand). Cytogenetic location: 3p13.
Variant type: single nucleotide variant.
Coding change: c.583-14T>A on transcript NM_001354604.2 (MANE Select); 14 bases into the intron before coding-DNA position 583, T replaced by A.
Molecular consequence: intron variant.
Genome position (GRCh38, 1-based): chr3:69,939,084, T>A. VCF-style: chr3-69939084-T-A. GRCh37 (hg19) VCF-style: chr3-69988235-T-A.
Other names: c.532-14T>A (NM_001354607.2); c.427-14T>A (NM_001354608.2, NM_001184967.2); c.583-14T>A (NM_198159.3); c.580-14T>A (NM_001354605.2, NM_001354606.2, NM_006722.3); c.535-14T>A (NM_198177.3); c.262-14T>A (NM_000248.4, NM_198158.3); c.94-14T>A (NM_198178.3).
Identifiers: ClinVar variation 2944494 (VCV002944494.3), dbSNP rs1007741612, ClinGen allele CA77000666.